The following is an entry in ClinVar:

ClinVar aggregate classification (germline): Uncertain significance. Review status: criteria provided, multiple submitters, no conflicts (2 of 4 stars). 2 submissions from 2 submitters: Uncertain significance (2). Last evaluated 2025-12-10.

Conditions:
Microcephaly 1, primary, autosomal recessive (MCPH1). Also called: PREMATURE CHROMOSOME CONDENSATION SYNDROME; PCC SYNDROME; PREMATURE CHROMOSOME CONDENSATION WITH MICROCEPHALY AND MENTAL RETARDATION. Identifiers: Orphanet 2512, MedGen C1855081, MONDO:0009617, OMIM 251200.

Allele frequency attached by ClinVar (database versions not stated): TOPMed below 0.00001; gnomAD 0.00001; gnomAD exomes 0.00001.
gnomAD v4.1: 5 of 1,570,722 alleles (0.00032%); highest among the groups gnomAD compares: African/African-American, 0.0014%; no homozygotes.

Submissions (2):

Myriad Genetics, Inc.
Classification: Uncertain significance for Microcephaly 1, primary, autosomal recessive. Last evaluated: 2025-12-10. Review status: criteria provided, single submitter. Criteria: Myriad Autosomal Dominant, Autosomal Recessive and X-Linked Classification Criteria (2023). Collection method: clinical testing. Allele origin: unknown.
Comment: NM_024596.3(MCPH1):c.1825+6T>G is an intronic variant classified as a variant of uncertain significance in the context of primary microcephaly, MCPH1-related. c.1825+6T>G has not been observed in cases with relevant disease. Relevant functional assessments of this variant are not available in the literature. c.1825+6T>G has not been observed in referenced population frequency databases. In summary, there is insufficient evidence to classify NM_024596.3(MCPH1):c.1825+6T>G as pathogenic or benign. Please note: this variant was assessed in the context of healthy population screening.

Labcorp Genetics (formerly Invitae), Labcorp
Classification: Uncertain significance. Last evaluated: 2025-04-14. Review status: criteria provided, single submitter. Criteria: Invitae Variant Classification Sherloc (09022015). Collection method: clinical testing. Allele origin: germline.
Comment: This sequence change falls in intron 8 of the MCPH1 gene. It does not directly change the encoded amino acid sequence of the MCPH1 protein. It affects a nucleotide within the consensus splice site. This variant is present in population databases (no rsID available, gnomAD 0.007%). This variant has not been reported in the literature in individuals affected with MCPH1-related conditions. ClinVar contains an entry for this variant (Variation ID: 1365017). Variants that disrupt the consensus splice site are a relatively common cause of aberrant splicing (PMID: 17576681, 9536098). Algorithms developed to predict the effect of sequence changes on RNA splicing suggest that this variant may disrupt the consensus splice site. In summary, the available evidence is currently insufficient to determine the role of this variant in disease. Therefore, it has been classified as a Variant of Uncertain Significance.

Literature cited by the submitters: PubMed 17576681 (cited by Labcorp Genetics (formerly Invitae), Labcorp); PubMed 9536098 (cited by Labcorp Genetics (formerly Invitae), Labcorp).

NM_024596.5(MCPH1):c.1825+6T>G

Gene: MCPH1 (microcephalin 1; plus strand). Cytogenetic location: 8p23.1.
Variant type: single nucleotide variant.
Coding change: c.1825+6T>G on transcript NM_024596.5 (MANE Select); 6 bases into the intron after coding-DNA position 1825, T replaced by G.
Molecular consequence: intron variant. On other transcripts: stop lost (4), non-coding transcript variant (1).
Genome position (GRCh38, 1-based): chr8:6,445,553, T>G. VCF-style: chr8-6445553-T-G. GRCh37 (hg19) VCF-style: chr8-6303074-T-G.
Other names: c.1831T>G, p.Ter611Gly (NM_001172574.2); c.1687T>G, p.Ter563Gly (NM_001172575.2); c.1825T>G, p.Ter609Gly (NM_001322043.2); c.1729T>G, p.Ter577Gly (NM_001322045.2); c.1825+6T>G (NM_001322042.2, NM_001363980.2, NM_001363979.1).
Identifiers: ClinVar variation 1365017 (VCV001365017.7), dbSNP rs1457415233, ClinGen allele CA370222467.